The following is an entry in ClinVar:

NM_000478.6(ALPL):c.457T>C (p.Trp153Arg)

Gene: ALPL (alkaline phosphatase, biomineralization associated; plus strand). Cytogenetic location: 1p36.12.
Variant type: single nucleotide variant.
Coding change: c.457T>C on transcript NM_000478.6 (MANE Select); coding-DNA position 457, T replaced by C.
Protein change: p.Trp153Arg; replaces tryptophan 153 with arginine.
Molecular consequence: missense variant.
Genome position (GRCh38, 1-based): chr1:21,563,269, T>C. VCF-style: chr1-21563269-T-C. GRCh37 (hg19) VCF-style: chr1-21889762-T-C.
Other names: c.292T>C, p.Trp98Arg (NM_001127501.4); c.226T>C, p.Trp76Arg (NM_001177520.3); c.457T>C, p.Trp153Arg (NM_001369803.2, NM_001369804.2, NM_001369805.2); short protein forms W153R, W76R, W98R.
Identifiers: ClinVar variation 994238 (VCV000994238.16), dbSNP rs1644512630, ClinGen allele CA338877370.

ClinVar aggregate classification (germline): Conflicting classifications of pathogenicity. Review status: criteria provided, conflicting classifications (1 of 4 stars). 5 submissions from 5 submitters: Likely pathogenic (3); Uncertain significance (1). 1 of the submissions does not count toward it. Last evaluated 2025-08-29.

Conditions:
Hypophosphatasia. Also called: Phosphoethanol-aminuria. Identifiers: Orphanet 436, MedGen C0020630, MeSH D007014, MONDO:0018570.
ALPL-related disorder. Also called: ALPL-related condition; ALPL-related disorders.

Submissions (5):

Genomenon, Inc
Classification: Likely pathogenic for Hypophosphatasia. Last evaluated: 2025-08-29. Review status: criteria provided, single submitter. Criteria: Genomenon Sequence Variant Interpretation Standards. Collection method: curation. Allele origin: germline. Affected: yes.
Comment: ALPL c.457T>C is a missense variant that changes the amino acid at residue 153 from Tryptophan to Arginine. This variant has been observed in at least one proband affected with hypophosphatasia (PMID:39506814;21713987). It has been observed in trans with a pathogenic variant (PMID:21713987). It is absent or not present at a significant frequency in gnomAD. In conclusion, we classify ALPL p.Trp153Arg (c.457T>C) as a likely pathogenic variant.

Labcorp Genetics (formerly Invitae), Labcorp
Classification: Likely pathogenic. Last evaluated: 2024-01-12. Review status: criteria provided, single submitter. Criteria: Invitae Variant Classification Sherloc (09022015). Collection method: clinical testing. Allele origin: germline.
Comment: This sequence change replaces tryptophan, which is neutral and slightly polar, with arginine, which is basic and polar, at codon 153 of the ALPL protein (p.Trp153Arg). This variant is not present in population databases (gnomAD no frequency). This missense change has been observed in individual(s) with ALPL-related conditions (PMID: 21713987). In at least one individual the data is consistent with being in trans (on the opposite chromosome) from a pathogenic variant. ClinVar contains an entry for this variant (Variation ID: 994238). Advanced modeling of protein sequence and biophysical properties (such as structural, functional, and spatial information, amino acid conservation, physicochemical variation, residue mobility, and thermodynamic stability) performed at Invitae indicates that this missense variant is expected to disrupt ALPL protein function with a positive predictive value of 80%. In summary, the currently available evidence indicates that the variant is pathogenic, but additional data are needed to prove that conclusively. Therefore, this variant has been classified as Likely Pathogenic.

ARUP Laboratories, Molecular Genetics and Genomics, ARUP Laboratories
Classification: Uncertain significance. Last evaluated: 2020-01-24. Review status: criteria provided, single submitter. Criteria: ARUP Molecular Germline Variant Investigation Process. Collection method: clinical testing. Allele origin: germline.
Comment: The ALPL c.457T>C; p.Trp153Arg variant is reported in the literature in an individual affected with hypophosphatasia, who carried another ALPL variant on the opposite chromosome (Wenkert 2011). This variant is absent from general population databases (Exome Variant Server, Genome Aggregation Database), indicating it is not a common polymorphism. The tryptophan at codon 153 is highly conserved, and computational analyses (SIFT: tolerated, PolyPhen-2: probably damaging) predict conflicting effects of this variant on protein structure/function. Given the lack of clinical and functional data, the significance of the p.Trp153Arg variant is uncertain at this time. References: Wenkert et al. Hypophosphatasia: nonlethal disease despite skeletal presentation in utero (17 new cases and literature review). J Bone Miner Res. 2011 Oct.

Blueprint Genetics
Classification: Likely pathogenic for ALPL-related disorders. Last evaluated: 2019-03-13. Review status: criteria provided, single submitter. Criteria: ACMG Guidelines, 2015. Collection method: clinical testing. Allele origin: germline. Affected: yes. Observed: 1 variant allele.

Natera, Inc.
Classification: Uncertain significance for Hypophosphatasia. Last evaluated: 2020-03-13. Review status: no assertion criteria provided. Collection method: clinical testing. Allele origin: germline. Not counted in ClinVar's aggregate classification.

Literature cited by the submitters: PubMed 39506814 (cited by Genomenon, Inc); PubMed 21713987 (cited by Genomenon, Inc and Labcorp Genetics (formerly Invitae), Labcorp).